The following is an entry in ClinVar:

NM_177550.5(SLC13A5):c.1438-4G>T

Gene: SLC13A5 (solute carrier family 13 member 5; minus strand). Cytogenetic location: 17p13.1.
Variant type: single nucleotide variant.
Coding change: c.1438-4G>T on transcript NM_177550.5 (MANE Select); 4 bases into the intron before coding-DNA position 1438, G replaced by T.
Molecular consequence: intron variant.
Genome position (GRCh38, 1-based): chr17:6,687,670, C>A on the plus strand (G>T on the coding strand, the complement: SLC13A5 is on the minus strand). VCF-style: chr17-6687670-C-A. GRCh37 (hg19) VCF-style: chr17-6590989-C-A.
Other names: c.1309-4G>T (NM_001284510.2); c.1387-4G>T (NM_001284509.2); c.1438-1332G>T (NM_001143838.3).
Identifiers: ClinVar variation 2016284 (VCV002016284.4), dbSNP rs901014442, ClinGen allele CA2576144033.

ClinVar aggregate classification (germline): Uncertain significance (1 of 4 stars; one submission).

Conditions:
Developmental and epileptic encephalopathy, 25 (DEE25). Also called: Developmental and epileptic encephalopathy 25, with amelogenesis imperfecta; Epileptic encephalopathy, early infantile, 25, with amelogenesis imperfecta; Epileptic encephalopathy, early infantile, 25. Identifiers: Orphanet 442835, MedGen C4014621, MONDO:0014392, OMIM 615905.

Submission:

Labcorp Genetics (formerly Invitae), Labcorp
Classification: Uncertain significance for Developmental and epileptic encephalopathy, 25. Last evaluated: 2022-07-23. Review status: criteria provided, single submitter. Criteria: Invitae Variant Classification Sherloc (09022015). Collection method: clinical testing. Allele origin: germline.
Comment: This sequence change falls in intron 10 of the SLC13A5 gene. It does not directly change the encoded amino acid sequence of the SLC13A5 protein. This variant is not present in population databases (gnomAD no frequency). This variant has not been reported in the literature in individuals affected with SLC13A5-related conditions. Algorithms developed to predict the effect of sequence changes on RNA splicing suggest that this variant may disrupt the consensus splice site. In summary, the available evidence is currently insufficient to determine the role of this variant in disease. Therefore, it has been classified as a Variant of Uncertain Significance.